The following is an entry in ClinVar:

ClinVar aggregate classification (germline): Conflicting classifications of pathogenicity. Review status: criteria provided, conflicting classifications (1 of 4 stars). 10 submissions from 10 submitters: Uncertain significance (5); Benign (1); Likely benign (4). Last evaluated 2026-09-23.

Conditions:
JAK2-related disorder. Also called: JAK2-related condition.
Acquired polycythemia vera. Also called: POLYCYTHEMIA RUBRA VERA; Polycythemia vera, somatic; Suspected polycythemia vera. Identifiers: Orphanet 729, MedGen C0032463, MeSH D011087, MONDO:0009891, OMIM 263300.
Primary myelofibrosis. Also called: Myelofibrosis, somatic. Identifiers: Orphanet 824, MedGen C0001815, MeSH D055728, MONDO:0009692, OMIM 254450.
Thrombocythemia 3 (THCYT3). Also called: THROMBOCYTOSIS 3; THROMBOCYTHEMIA 3, SOMATIC. Identifiers: MedGen C3281125, MONDO:0013794, OMIM 614521.
Budd-Chiari syndrome (BDCHS). Also called: Hepatic vein obstruction. Identifiers: Orphanet 131, MedGen C0856761, MONDO:0010947, OMIM 600880, HP:0002639.
Myeloproliferative neoplasm. Identifiers: Orphanet 98274, MedGen C1292778, MONDO:0020076.
Hereditary cancer. Identifiers: MedGen C1333600.

Allele frequency attached by ClinVar (database versions not stated): gnomAD exomes 0.00047; ExAC 0.00048; ESP Exome Variant Server 0.00069.
gnomAD v4.1: 571 of 1,610,342 alleles (0.035%); highest among the groups gnomAD compares: Middle Eastern, 0.18%; 2 homozygotes.

Submissions (10):

Dept of Medical Biology, Uskudar University
Classification: Uncertain significance for Myeloproliferative neoplasm. Last evaluated: 2026-09-23. Review status: criteria provided, single submitter. Criteria: Dept of Medical Biology Variant Classification. Collection method: research. Allele origin: unknown. Affected: yes. Observed: 1 variant allele.
Comment: BS1: allele frequency in gnomAD v4.1 3.5e-04 overall and 1.9e-03 in the Middle Eastern population, above the BS1 threshold (grpmax filtering allele frequency > 2.5e-04; PMID:28518168). PP3: computational evidence supports a deleterious effect (SIFT 0.0 deleterious, low confidence; PolyPhen-2 0.763 possibly damaging). Benign and pathogenic criteria conflict, and ClinVar records conflicting classifications (VCV001336051). Classified as uncertain significance under the ACMG/AMP 2015 guidelines (PMID:25741868). Detected in a retrospective series of 256 BCR::ABL1-negative and JAK2 V617F-negative patients referred for molecular investigation of a suspected myeloproliferative neoplasm (May 2007 to January 2015) and re-interpreted under the ACMG/AMP 2015 criteria.

GeneDx
Classification: Uncertain significance. Last evaluated: 2026-05-12. Review status: criteria provided, single submitter. Criteria: GeneDx Variant Classification Process June 2021. Collection method: clinical testing. Allele origin: germline.
Comment: Published functional studies suggest that this variant does not affect JAK2 activity (PMID: 26423830); In silico analysis supports that this missense variant has a deleterious effect on protein structure/function; This variant is associated with the following publications: (PMID: AlGhashamN2014[abstract], 38054407, 38468832, Auer2018[abstract], 30967616, 27009537, 19074595, Diaconu2018[review], 26423830, 21864276, 31567194, 28401106, 32392854, Panovska-Stavridis2014[Abstract], 34946900, 27924280, SchnittgerS2009[abstract], 26361084, 37246471, 37156613, 37239426, 38239637, 39118233, 37939140, 38244120, 41626141, 39179669, 41465353)

Labcorp Genetics (formerly Invitae), Labcorp
Classification: Benign. Last evaluated: 2025-12-24. Review status: criteria provided, single submitter. Criteria: Invitae Variant Classification Sherloc (09022015). Collection method: clinical testing. Allele origin: germline.

CeGaT Center for Human Genetics Tuebingen
Classification: Likely benign. Last evaluated: 2025-10-01. Review status: criteria provided, single submitter. Criteria: CeGaT Center For Human Genetics Tuebingen Variant Classification Criteria Version 2. Collection method: clinical testing. Allele origin: germline. Affected: yes. Observed: 2 variant alleles.
Comment: JAK2: BS1

PreventionGenetics, part of Exact Sciences
Classification: Likely benign for JAK2-related condition. Last evaluated: 2025-07-01. Review status: criteria provided, single submitter. Criteria: ACMG Guidelines, 2015. Collection method: clinical testing. Allele origin: germline.
Comment: This variant is classified as likely benign based on ACMG/AMP sequence variant interpretation guidelines (Richards et al. 2015 PMID: 25741868, with internal and published modifications).

Mayo Clinic Laboratories, Mayo Clinic
Classification: Uncertain significance. Last evaluated: 2025-03-28. Review status: criteria provided, single submitter. Criteria: ACMG Guidelines, 2015. Collection method: clinical testing. Allele origin: germline. Observed: 1 variant allele.
Comment: BS3_moderate

Blueprint Genetics
Classification: Likely benign. Last evaluated: 2024-11-25. Review status: criteria provided, single submitter. Criteria: ACMG Guidelines, 2015. Collection method: clinical testing. Allele origin: germline.

Mendelics
Classification: Likely benign for Hereditary cancer. Last evaluated: 2024-09-11. Review status: criteria provided, single submitter. Criteria: ACMG Guidelines, 2015. Collection method: clinical testing. Allele origin: unknown.
Comment: This variant is considered likely benign or benign based on one or more of the following: it is predicted to be benign by multiple in silico algorithms, and/or has population frequency not consistent with disease, and/or has normal protein function, and/or has lack of segregation with disease, and/or has been detected in co-occurrence with known pathogenic variant, and/or has lack of disease association in case-control studies, and/or is located in a region inconsistent with a known cause of pathogenicity.

Department of Pathology and Laboratory Medicine, Sinai Health System
Classification: Uncertain significance for Acquired polycythemia vera; Thrombocythemia 3; Primary myelofibrosis; Budd-Chiari syndrome. Last evaluated: 2023-01-31. Review status: criteria provided, single submitter. Criteria: ACMG Guidelines, 2015. Collection method: research. Allele origin: germline.

Genetic Services Laboratory, University of Chicago
Classification: Uncertain significance. Last evaluated: 2021-02-18. Review status: criteria provided, single submitter. Criteria: ACMG Guidelines, 2015. Collection method: clinical testing. Allele origin: germline. Affected: no.
Comment: DNA sequence analysis of the JAK2 gene demonstrated a sequence change, c.1711G>A, in exon 13 that results in an amino acid change, p.Gly571Ser. This sequence change has been described in the gnomAD database with a low population frequency of 0.046% (dbSNP rs139504737). The p.Gly571Ser change affects a highly conserved amino acid residue located in a domain of the JAK2 protein that is known to be functional. In-silico pathogenicity prediction tools (SIFT, PolyPhen2, Align GVGD, REVEL) provide contradictory results for the p.Gly571Ser substitution. The Gly571Ser sequence change has been reported in one individual with chronic thrombocytosis, however three other family members who carried this variant were unaffected (PMID: 27009537). The p.Gly571Ser variant has also been reported in an individual with erythrocytosis, however previous in vitro studies of this variant did not provide evidence to suggest that this variant leads to activation of JAK2 signaling (PMID: 27924280). Due to these contrasting evidences, the clinical significance of the p.Gly571Ser change remains unknown at this time.

Literature cited by the submitters: PubMed 26423830 (cited by Mayo Clinic Laboratories, Mayo Clinic); PubMed 27009537 (cited by Mayo Clinic Laboratories, Mayo Clinic); PubMed 34946900 (cited by Mayo Clinic Laboratories, Mayo Clinic); PubMed 37246471 (cited by Mayo Clinic Laboratories, Mayo Clinic).

NM_004972.4(JAK2):c.1711G>A (p.Gly571Ser)

Genes: INSL6 (insulin like 6; minus strand), JAK2 (Janus kinase 2; plus strand). Cytogenetic location: 9p24.1.
Variant type: single nucleotide variant.
Coding change: c.1711G>A on transcript NM_004972.4 (MANE Select); coding-DNA position 1711, G replaced by A.
Protein change: p.Gly571Ser; replaces glycine 571 with serine.
Molecular consequence: missense variant. On other transcripts: non-coding transcript variant (2).
Genome position (GRCh38, 1-based): chr9:5,072,561, G>A. VCF-style: chr9-5072561-G-A. GRCh37 (hg19) VCF-style: chr9-5072561-G-A.
Other names: p.Gly571Ser; c.1711G>A (NM_004972.3); c.1711G>A, p.Gly571Ser (NM_001322194.2, NM_001322195.2, NM_001322196.2); c.496G>A, p.Gly166Ser (NM_001322198.2, NM_001322199.2); c.1264G>A, p.Gly422Ser (NM_001322204.2); short protein forms G166S, G422S, G571S.
Identifiers: ClinVar variation 1336051 (VCV001336051.25), dbSNP rs139504737, ClinGen allele CA4971940.